The following is an entry in ClinVar:

NM_002246.3(KCNK3):c.244G>A (p.Gly82Ser)

Gene: KCNK3 (potassium two pore domain channel subfamily K member 3; plus strand). Cytogenetic location: 2p23.3.
Variant type: single nucleotide variant.
Coding change: c.244G>A on transcript NM_002246.3 (MANE Select); coding-DNA position 244, G replaced by A.
Protein change: p.Gly82Ser; replaces glycine 82 with serine.
Molecular consequence: missense variant.
Genome position (GRCh38, 1-based): chr2:26,693,119, G>A. VCF-style: chr2-26693119-G-A. GRCh37 (hg19) VCF-style: chr2-26915987-G-A.
Other names: short protein forms G82S.
Identifiers: ClinVar variation 1698316 (VCV001698316.2), dbSNP rs2148251805, ClinGen allele CA346261330.

ClinVar aggregate classification (germline): Uncertain significance (1 of 4 stars; one submission).

gnomAD v4.1: 1 of 1,584,000 alleles (0.000063%); no homozygotes.

Submission:

GeneDx
Classification: Uncertain significance. Last evaluated: 2022-01-24. Review status: criteria provided, single submitter. Criteria: GeneDx Variant Classification Process June 2021. Collection method: clinical testing. Allele origin: germline. Affected: yes.
Comment: Has not been previously published as pathogenic or benign to our knowledge; Not observed at significant frequency in large population cohorts (gnomAD); In silico analysis supports that this missense variant has a deleterious effect on protein structure/function